The following is an entry in ClinVar:

NM_001009944.3(PKD1):c.6399del (p.Phe2133fs)

Gene: PKD1 (polycystin 1, transient receptor potential channel interacting; minus strand). Cytogenetic location: 16p13.3.
Variant type: Deletion.
Coding change: c.6399del on transcript NM_001009944.3 (MANE Select); coding-DNA position 6399, one base deleted (C; older notation c.6399delC).
Protein change: p.Phe2133fs; shifts the reading frame from phenylalanine 2133.
Molecular consequence: frameshift variant.
Genome position (GRCh38, 1-based): chr16:2,108,768, G deleted on the plus strand (C on the coding strand, the reverse complement: PKD1 is on the minus strand). VCF-style (leftmost placement, unchanged base first): chr16-2108767-CG-C. GRCh37 (hg19) VCF-style: chr16-2158768-CG-C.
Other names: c.6399del, p.Phe2133fs (NM_000296.4); short protein forms F2133fs.
Identifiers: ClinVar variation 3906980 (VCV003906980.2).

ClinVar aggregate classification (germline): Pathogenic (1 of 4 stars; one submission).

Conditions:
Polycystic kidney disease, adult type (PKD1). Also called: Polycystic Kidney Disease 1, Autosomal Dominant; Polycystic kidney disease 1; Polycystic kidney disease 1, severe; Polycystic Kidney, Autosomal Dominant; POLYCYSTIC KIDNEY DISEASE 1 WITH OR WITHOUT POLYCYSTIC LIVER DISEASE; POLYCYSTIC KIDNEY DISEASE, ADULT, TYPE I. Identifiers: MedGen C3149841, MONDO:0008263, OMIM 173900.

Submission:

Juno Genomics, Hangzhou Juno Genomics, Inc
Classification: Pathogenic for Polycystic kidney disease, adult type. Review status: criteria provided, single submitter. Criteria: ACMG Guidelines, 2015. Collection method: clinical testing. Allele origin: germline. Affected: yes.
Comment: Absent from controls (or at extremely low frequency if recessive) in Genome Aggregation Database, Exome Sequencing Project, 1000 Genomes Project, or Exome Aggregation Consortium.;Null variant in a gene where loss of function (LOF) is a known mechanism of disease.;Patient's phenotype or family history is highly specific for a disease with a single genetic etiology.